The following is an entry in ClinVar:

ClinVar aggregate classification (germline): Likely benign (1 of 4 stars; one submission).

gnomAD v4.1: 3 of 1,611,604 alleles (0.00019%); highest among the groups gnomAD compares: Non-Finnish European, 0.000085%; no homozygotes.

Submission:

CeGaT Center for Human Genetics Tuebingen
Classification: Likely benign. Last evaluated: 2026-07-01. Review status: criteria provided, single submitter. Criteria: CeGaT Center For Human Genetics Tuebingen Variant Classification Criteria Version 2. Collection method: clinical testing. Allele origin: germline. Affected: yes. Observed: 2 variant alleles.
Comment: ARID2: BP4, BP7

NM_152641.4(ARID2):c.453C>T (p.Asp151=)

Gene: ARID2 (AT-rich interaction domain 2; plus strand). Cytogenetic location: 12q12.
Variant type: single nucleotide variant.
Coding change: c.453C>T on transcript NM_152641.4 (MANE Select); coding-DNA position 453, C replaced by T.
Protein change: p.Asp151=; no amino-acid change (aspartic acid 151 retained).
Molecular consequence: synonymous variant.
Genome position (GRCh38, 1-based): chr12:45,817,704, C>T. VCF-style: chr12-45817704-C-T. GRCh37 (hg19) VCF-style: chr12-46211487-C-T.
Other names: c.453C>T, p.Asp151= (NM_001347839.2).
Identifiers: ClinVar variation 3905459 (VCV003905459.10).